The following is an entry in ClinVar:

NM_000038.6(APC):c.4966T>A (p.Ser1656Thr)

Gene: APC (APC regulator of Wnt signaling pathway; plus strand). Cytogenetic location: 5q22.2.
Variant type: single nucleotide variant.
Coding change: c.4966T>A on transcript NM_000038.6 (MANE Select); coding-DNA position 4966, T replaced by A.
Protein change: p.Ser1656Thr; replaces serine 1656 with threonine.
Molecular consequence: missense variant. On other transcripts: non-coding transcript variant (2).
Genome position (GRCh38, 1-based): chr5:112,840,560, T>A. VCF-style: chr5-112840560-T-A. GRCh37 (hg19) VCF-style: chr5-112176257-T-A.
Other names: c.3814T>A, p.Ser1272Thr (NM_001407471.1, NM_001407472.1); c.5020T>A, p.Ser1674Thr (NM_001407448.1, NM_001407449.1, NM_001354896.2 and 1 more transcripts); c.4966T>A, p.Ser1656Thr (NM_001407450.1, NM_001127510.3, NM_001354895.2); c.4945T>A, p.Ser1649Thr (NM_001407451.1); c.4936T>A, p.Ser1646Thr (NM_001407452.1); c.4789T>A, p.Ser1597Thr (NM_001407453.1, NM_001354901.2); c.4717T>A, p.Ser1573Thr (NM_001407454.1, NM_001407455.1, NM_001407456.1 and 1 more transcripts); c.4663T>A, p.Ser1555Thr (NM_001407458.1, NM_001407459.1, NM_001407460.1 and 1 more transcripts); and 11 more; short protein forms S1272T, S1373T, S1496T, S1527T, S1530T, S1555T, S1565T, S1573T.
Identifiers: ClinVar variation 4861067 (VCV004861067.1).
Genomic context (GRCh38, chr5:112,840,560, plus strand): 5'-GATGATATGCCACGGGTGTATTGTGTTGAAGGGACACCTATAAACTTTTCCACAGCTACA[T>A]CTCTAAGTGATCTAACAATCGAATCCCCTCCAAATGAGTTAGCTGCTGGAGAAGGAGTTA-3'
Protein context (NP_000029.2, residues 1646-1666): GTPINFSTAT[Ser1656Thr]LSDLTIESPP

ClinVar aggregate classification (germline): Uncertain significance (1 of 4 stars; one submission).

Conditions:
Hereditary cancer-predisposing syndrome. Also called: Neoplastic Syndromes, Hereditary; Tumor predisposition; Hereditary Cancer Syndrome; Hereditary neoplastic syndrome. Identifiers: Orphanet 140162, MedGen C0027672, MeSH D009386, MONDO:0015356.

Submission:

Ambry Genetics
Classification: Uncertain significance for Hereditary cancer-predisposing syndrome. Last evaluated: 2026-04-02. Review status: criteria provided, single submitter. Criteria: Ambry Variant Classification Scheme 2023. Collection method: clinical testing. Allele origin: germline.
Comment: The p.S1656T variant (also known as c.4966T>A), located in coding exon 15 of the APC gene, results from a T to A substitution at nucleotide position 4966. The serine at codon 1656 is replaced by threonine, an amino acid with similar properties. This amino acid position is conserved. In addition, in silico predictors for this gene do not accurately predict pathogenicity. Based on the available evidence, the clinical significance of this variant remains unclear.